The following is an entry in ClinVar:

NM_032802.4(SPPL2A):c.830+1G>A

Gene: SPPL2A (signal peptide peptidase like 2A; minus strand). Cytogenetic location: 15q21.2.
Variant type: single nucleotide variant.
Coding change: c.830+1G>A on transcript NM_032802.4 (MANE Select); the canonical splice donor site of the intron after coding-DNA position 830, G replaced by A.
Molecular consequence: splice donor variant.
Genome position (GRCh38, 1-based): chr15:50,736,643, C>T on the plus strand (G>A on the coding strand, the complement: SPPL2A is on the minus strand). VCF-style: chr15-50736643-C-T. GRCh37 (hg19) VCF-style: chr15-51028840-C-T.
Identifiers: ClinVar variation 1408895 (VCV001408895.6), dbSNP rs143931739, ClinGen allele CA7558408.
Genomic context (GRCh38, chr15:50,736,643, plus strand): 5'-TTTTGTATTGTTTCAAATTATAAACACCAACATTATAAGATTTCCTGTAAGAGATACGTA[C>T]GTGCATTGTCCATATGGTATCTTATGAATTAGTGCAGCAAGACAGTTGTACAGACTCATT-3'

ClinVar aggregate classification (germline): Uncertain significance (1 of 4 stars; one submission).

Allele frequency attached by ClinVar (database versions not stated): gnomAD 0.00003 and 0.00004; TOPMed 0.00003; ESP Exome Variant Server 0.00008.

Submission:

Labcorp Genetics (formerly Invitae), Labcorp
Classification: Uncertain significance. Last evaluated: 2025-08-06. Review status: criteria provided, single submitter. Criteria: Invitae Variant Classification Sherloc (09022015). Collection method: clinical testing. Allele origin: germline.
Comment: This sequence change affects a donor splice site in intron 7 of the SPPL2A gene. It is expected to disrupt RNA splicing. Variants that disrupt the donor or acceptor splice site typically lead to a loss of protein function (PMID: 16199547), however the current clinical and genetic evidence is not sufficient to establish whether loss-of-function variants in SPPL2A cause disease. This variant is present in population databases (rs143931739, gnomAD 0.008%). This variant has not been reported in the literature in individuals affected with SPPL2A-related conditions. ClinVar contains an entry for this variant (Variation ID: 1408895). Algorithms developed to predict the effect of sequence changes on RNA splicing suggest that this variant may disrupt the consensus splice site. In summary, the available evidence is currently insufficient to determine the role of this variant in disease. Therefore, it has been classified as a Variant of Uncertain Significance.

Literature cited by the submitters: PubMed 16199547.